The following is an entry in ClinVar:

NM_021939.4(FKBP10):c.1236C>A (p.Asp412Glu)

Gene: FKBP10 (FKBP prolyl isomerase 10; plus strand). Cytogenetic location: 17q21.2.
Variant type: single nucleotide variant.
Coding change: c.1236C>A on transcript NM_021939.4 (MANE Select); coding-DNA position 1236, C replaced by A.
Protein change: p.Asp412Glu; replaces aspartic acid 412 with glutamic acid.
Molecular consequence: missense variant.
Genome position (GRCh38, 1-based): chr17:41,820,441, C>A. VCF-style: chr17-41820441-C-A. GRCh37 (hg19) VCF-style: chr17-39976693-C-A.
Other names: short protein forms D412E.
Identifiers: ClinVar variation 3902800 (VCV003902800.1).

ClinVar aggregate classification (germline): Uncertain significance (1 of 4 stars; one submission).

gnomAD v4.1: 1 of 1,612,108 alleles (0.000062%); highest among the groups gnomAD compares: Non-Finnish European, 0.000085%; no homozygotes.

Submission:

Women's Health and Genetics/Laboratory Corporation of America, LabCorp
Classification: Uncertain significance. Last evaluated: 2025-05-20. Review status: criteria provided, single submitter. Criteria: LabCorp Variant Classification Summary - May 2015. Collection method: clinical testing. Allele origin: germline.
Comment: Variant summary: FKBP10 c.1236C>A (p.Asp412Glu) results in a conservative amino acid change in the encoded protein sequence. Algorithms developed to predict the effect of missense changes on protein structure and function are either unavailable or do not agree on the potential impact of this missense change. The variant was absent in 251346 control chromosomes (gnomAD). The available data on variant occurrences in the general population are insufficient to allow any conclusion about variant significance. To our knowledge, no occurrence of c.1236C>A in individuals affected with Osteogenesis Imperfecta and no experimental evidence demonstrating its impact on protein function have been reported. No submitters have cited clinical-significance assessments for this variant to ClinVar. Based on the evidence outlined above, the variant was classified as uncertain significance.